The following is an entry in ClinVar:

ClinVar aggregate classification (germline): Uncertain significance. Review status: criteria provided, multiple submitters, no conflicts (2 of 4 stars). 3 submissions from 3 submitters: Uncertain significance (3). Last evaluated 2025-12-08.

Conditions:
Inborn genetic diseases. Identifiers: MedGen C0950123, MeSH D030342.
Hereditary sensory neuropathy-deafness-dementia syndrome. Also called: Hereditary Sensory and Autonomic Neuropathy Type 1E (HSAN1E); Hereditary sensory neuropathy type IE; NEUROPATHY, HEREDITARY SENSORY, WITH HEARING LOSS AND DEMENTIA; HSN IE. Identifiers: Orphanet 456318, MedGen C3279885, MONDO:0013584, OMIM 614116.

Allele frequency attached by ClinVar (database versions not stated): gnomAD 0.00001; TOPMed 0.00001; gnomAD exomes 0.00002.
gnomAD v4.1: 26 of 1,614,022 alleles (0.0016%); highest among the groups gnomAD compares: African/African-American, 0.004%; no homozygotes.

Submissions (3):

Labcorp Genetics (formerly Invitae), Labcorp
Classification: Uncertain significance for Hereditary sensory neuropathy-deafness-dementia syndrome. Last evaluated: 2025-12-08. Review status: criteria provided, single submitter. Criteria: Invitae Variant Classification Sherloc (09022015). Collection method: clinical testing. Allele origin: germline.
Comment: This sequence change replaces proline, which is neutral and non-polar, with leucine, which is neutral and non-polar, at codon 278 of the DNMT1 protein (p.Pro278Leu). This variant is present in population databases (no rsID available, gnomAD 0.003%). This variant has not been reported in the literature in individuals affected with DNMT1-related conditions. ClinVar contains an entry for this variant (Variation ID: 1374216). An algorithm developed to predict the effect of missense changes on protein structure and function outputs the following: PolyPhen-2: "Benign". The leucine amino acid residue is found in multiple mammalian species, which suggests that this missense change does not adversely affect protein function. In summary, the available evidence is currently insufficient to determine the role of this variant in disease. Therefore, it has been classified as a Variant of Uncertain Significance.

Women's Health and Genetics/Laboratory Corporation of America, LabCorp
Classification: Uncertain significance. Last evaluated: 2025-03-17. Review status: criteria provided, single submitter. Criteria: LabCorp Variant Classification Summary - May 2015. Collection method: clinical testing. Allele origin: germline.
Comment: Variant summary: DNMT1 c.833C>T (p.Pro278Leu) results in a non-conservative amino acid change in the encoded protein sequence. Four of five in-silico tools predict a benign effect of the variant on protein function. The variant allele was found at a frequency of 2e-05 in 251476 control chromosomes. The available data on variant occurrences in the general population are insufficient to allow any conclusion about variant significance. To our knowledge, no occurrence of c.833C>T in individuals affected with Autosomal dominant cerebellar ataxia, deafness and narcolepsy and no experimental evidence demonstrating its impact on protein function have been reported. ClinVar contains an entry for this variant (Variation ID: 1374216). Based on the evidence outlined above, the variant was classified as uncertain significance.

Ambry Genetics
Classification: Uncertain significance for Inborn genetic diseases. Last evaluated: 2021-04-27. Review status: criteria provided, single submitter. Criteria: Ambry Variant Classification Scheme 2023. Collection method: clinical testing. Allele origin: germline.
Comment: The p.P262L variant (also known as c.785C>T), located in coding exon 10 of the DNMT1 gene, results from a C to T substitution at nucleotide position 785. The proline at codon 262 is replaced by leucine, an amino acid with similar properties. This amino acid position is not well conserved in available vertebrate species. In addition, this alteration is predicted to be tolerated by in silico analysis. Since supporting evidence is limited at this time, the clinical significance of this alteration remains unclear.

NM_001130823.3(DNMT1):c.833C>T (p.Pro278Leu)

Gene: DNMT1 (DNA methyltransferase 1; minus strand). Cytogenetic location: 19p13.2.
Variant type: single nucleotide variant.
Coding change: c.833C>T on transcript NM_001130823.3 (MANE Select); coding-DNA position 833, C replaced by T.
Protein change: p.Pro278Leu; replaces proline 278 with leucine.
Molecular consequence: missense variant.
Genome position (GRCh38, 1-based): chr19:10,166,656, G>A on the plus strand (C>T on the coding strand, the complement: DNMT1 is on the minus strand). VCF-style: chr19-10166656-G-A. GRCh37 (hg19) VCF-style: chr19-10277332-G-A.
Other names: c.785C>T, p.Pro262Leu (NM_001318730.2, NM_001379.4); c.470C>T, p.Pro157Leu (NM_001318731.2); short protein forms P278L, P157L, P262L.
Identifiers: ClinVar variation 1374216 (VCV001374216.9), dbSNP rs1430311136, ClinGen allele CA403942107.